The following is an entry in ClinVar:

ClinVar aggregate classification (germline): Uncertain significance. Review status: criteria provided, multiple submitters, no conflicts (2 of 4 stars). 2 submissions from 2 submitters: Uncertain significance (2). Last evaluated 2024-07-17.

Conditions:
Fanconi anemia (FA). Also called: Fanconi's anemia. Identifiers: Orphanet 84, MedGen C0015625, MeSH D005199, MONDO:0019391.

Submissions (2):

Labcorp Genetics (formerly Invitae), Labcorp
Classification: Uncertain significance for Fanconi anemia. Last evaluated: 2024-07-17. Review status: criteria provided, single submitter. Criteria: Invitae Variant Classification Sherloc (09022015). Collection method: clinical testing. Allele origin: germline.
Comment: This sequence change replaces serine, which is neutral and polar, with threonine, which is neutral and polar, at codon 1002 of the FANCM protein (p.Ser1002Thr). This variant is not present in population databases (gnomAD no frequency). This variant has not been reported in the literature in individuals affected with FANCM-related conditions. ClinVar contains an entry for this variant (Variation ID: 2581870). An algorithm developed to predict the effect of missense changes on protein structure and function (PolyPhen-2) suggests that this variant is likely to be tolerated. In summary, the available evidence is currently insufficient to determine the role of this variant in disease. Therefore, it has been classified as a Variant of Uncertain Significance.

GeneDx
Classification: Uncertain significance. Last evaluated: 2023-03-31. Review status: criteria provided, single submitter. Criteria: GeneDx Variant Classification Process June 2021. Collection method: clinical testing. Allele origin: germline. Affected: yes.
Comment: Not observed at significant frequency in large population cohorts (gnomAD); In silico analysis supports that this missense variant does not alter protein structure/function; Has not been previously published as pathogenic or benign to our knowledge

NM_020937.4(FANCM):c.3005G>C (p.Ser1002Thr)

Gene: FANCM (FA complementation group M; plus strand). Cytogenetic location: 14q21.2.
Variant type: single nucleotide variant.
Coding change: c.3005G>C on transcript NM_020937.4 (MANE Select); coding-DNA position 3005, G replaced by C.
Protein change: p.Ser1002Thr; replaces serine 1002 with threonine.
Molecular consequence: missense variant.
Genome position (GRCh38, 1-based): chr14:45,175,759, G>C. VCF-style: chr14-45175759-G-C. GRCh37 (hg19) VCF-style: chr14-45644962-G-C.
Other names: c.2927G>C, p.Ser976Thr (NM_001308133.2); short protein forms S1002T, S976T.
Identifiers: ClinVar variation 2581870 (VCV002581870.3), dbSNP rs2139245322, ClinGen allele CA389599656.
Genomic context (GRCh38, chr14:45,175,759, plus strand): 5'-TGACAAAAGAGGTACTAGCTAATGTAGAGAGATTTTTATCTTATTCTCCTCCGCCTCTCA[G>C]TGGACTCTCAGACTTGGAATATGAAATTGCTAAGGGTACTGCACTTGAGAATTTGCTTTT-3'
Protein context (NP_065988.1, residues 992-1012): RFLSYSPPPL[Ser1002Thr]GLSDLEYEIA